The following is an entry in ClinVar:

NM_001354930.2(RIPK1):c.389A>C (p.His130Pro)

Gene: RIPK1 (receptor interacting serine/threonine kinase 1; plus strand). Cytogenetic location: 6p25.2.
Variant type: single nucleotide variant.
Coding change: c.389A>C on transcript NM_001354930.2 (MANE Select); coding-DNA position 389, A replaced by C.
Protein change: p.His130Pro; replaces histidine 130 with proline.
Molecular consequence: missense variant. On other transcripts: 5 prime UTR variant (4), intron variant (1).
Genome position (GRCh38, 1-based): chr6:3,081,046, A>C. VCF-style: chr6-3081046-A-C. GRCh37 (hg19) VCF-style: chr6-3081280-A-C.
Other names: c.-215A>C (NM_001317061.3, NM_001354932.2, NM_001354933.2 and 1 more transcripts); c.389A>C, p.His130Pro (NM_003804.6); c.322-2039A>C (NM_001354931.2); short protein forms H130P.
Identifiers: ClinVar variation 1381076 (VCV001381076.6), dbSNP rs1353551966, ClinGen allele CA362576815.

ClinVar aggregate classification (germline): Uncertain significance (1 of 4 stars; one submission).

Allele frequency attached by ClinVar (database versions not stated): gnomAD exomes below 0.00001.
gnomAD v4.1: 2 of 1,614,182 alleles (0.00012%); highest among the groups gnomAD compares: Non-Finnish European, 0.000085%; no homozygotes.

Submission:

Labcorp Genetics (formerly Invitae), Labcorp
Classification: Uncertain significance. Last evaluated: 2024-07-31. Review status: criteria provided, single submitter. Criteria: Invitae Variant Classification Sherloc (09022015). Collection method: clinical testing. Allele origin: germline.
Comment: This sequence change replaces histidine, which is basic and polar, with proline, which is neutral and non-polar, at codon 130 of the RIPK1 protein (p.His130Pro). This variant is present in population databases (no rsID available, gnomAD 0.004%). This variant has not been reported in the literature in individuals affected with RIPK1-related conditions. ClinVar contains an entry for this variant (Variation ID: 1381076). An algorithm developed to predict the effect of missense changes on protein structure and function (PolyPhen-2) suggests that this variant is likely to be disruptive. In summary, the available evidence is currently insufficient to determine the role of this variant in disease. Therefore, it has been classified as a Variant of Uncertain Significance.